The following is an entry in ClinVar:

ClinVar aggregate classification (germline): Uncertain significance (1 of 4 stars; one submission).

gnomAD v4.1: 7 of 1,613,632 alleles (0.00043%); highest among the groups gnomAD compares: Non-Finnish European, 0.00042%; no homozygotes.

Submission:

GeneDx
Classification: Uncertain significance. Last evaluated: 2023-10-26. Review status: criteria provided, single submitter. Criteria: GeneDx Variant Classification Process June 2021. Collection method: clinical testing. Allele origin: germline. Affected: yes.
Comment: Not observed at significant frequency in large population cohorts (gnomAD); In silico analysis supports a deleterious effect on splicing; Has not been previously published as pathogenic or benign to our knowledge

NM_018105.3(THAP1):c.270A>G (p.Lys90=)

Gene: THAP1 (THAP domain containing 1; minus strand). Cytogenetic location: 8p11.21.
Variant type: single nucleotide variant.
Coding change: c.270A>G on transcript NM_018105.3 (MANE Select); coding-DNA position 270, A replaced by G.
Protein change: p.Lys90=; no amino-acid change (lysine 90 retained).
Molecular consequence: synonymous variant. On other transcripts: missense variant (1).
Genome position (GRCh38, 1-based): chr8:42,838,334, T>C on the plus strand (A>G on the coding strand, the complement: THAP1 is on the minus strand). VCF-style: chr8-42838334-T-C. GRCh37 (hg19) VCF-style: chr8-42693477-T-C.
Other names: c.74A>G, p.Lys25Arg (NM_199003.2); short protein forms K25R.
Identifiers: ClinVar variation 3363555 (VCV003363555.1).
Genomic context (GRCh38, chr8:42,838,334, plus strand): 5'-GGAAACAGGAGGCGGTAAAGGAGGTGGGGGAAGCTGTTCCTGTGGCTCCAGAAGATCTTC[T>C]TTCTAAAACAAAAATACAAAGTATGTTTGAATTTAGTAACTAAAAACAGTTTAAAAGAAT-3'
Protein context (NP_060575.1, residues 80-100): IFLCTEPHDK[Lys90=]EDLLEPQEQL